The following is an entry in ClinVar:

ClinVar aggregate classification (germline): Pathogenic (1 of 4 stars; one submission).

Submission:

Labcorp Genetics (formerly Invitae), Labcorp
Classification: Pathogenic. Last evaluated: 2024-02-06. Review status: criteria provided, single submitter. Criteria: Invitae Variant Classification Sherloc (09022015). Collection method: clinical testing. Allele origin: germline.
Comment: This sequence change creates a premature translational stop signal (p.Met270Serfs*43) in the RELA gene. It is expected to result in an absent or disrupted protein product. Loss-of-function variants in RELA are known to be pathogenic (PMID: 28600438). This variant is not present in population databases (gnomAD no frequency). This variant has not been reported in the literature in individuals affected with RELA-related conditions. For these reasons, this variant has been classified as Pathogenic.

Literature cited by the submitters: PubMed 28600438.

NM_021975.4(RELA):c.809_812del (p.Met270fs)

Gene: RELA (RELA proto-oncogene, NF-kB subunit; minus strand). Cytogenetic location: 11q13.1.
Variant type: Deletion.
Coding change: c.809_812del on transcript NM_021975.4 (MANE Select); coding-DNA positions 809 to 812, 4 bases deleted (TGCA; older notation c.809_812delTGCA).
Protein change: p.Met270fs; shifts the reading frame from methionine 270.
Molecular consequence: frameshift variant. On other transcripts: intron variant (2).
Genome position (GRCh38, 1-based): chr11:65,658,352-65,658,355, TGCA deleted on the plus strand (TGCA on the coding strand, the reverse complement: RELA is on the minus strand); deleting any 4 consecutive bases within chr11:65,658,352-65,658,357 gives the same sequence; the c. name uses the placement nearest the transcript's 3' end. VCF-style (leftmost placement, unchanged base first): chr11-65658351-CTGCA-C. GRCh37 (hg19) VCF-style: chr11-65425822-CTGCA-C.
Other names: c.800_803del, p.Met267fs (NM_001145138.2); c.809_812del, p.Met270fs (NM_001243984.2, NM_001243985.2); c.842_845del, p.Met281fs (NM_001404657.1); c.782_785del, p.Met261fs (NM_001404658.1); c.428_431del, p.Met143fs (NM_001404661.1); c.716_719del, p.Met239fs (NM_001404662.1, NM_001404663.1); c.559+1311_559+1314del (NM_001404660.1); c.664+363_664+366del (NM_001404659.1); short protein forms M239fs, M261fs, M267fs, M281fs, M143fs, M270fs.
Identifiers: ClinVar variation 3639193 (VCV003639193.2).